The following is an entry in ClinVar:

ClinVar aggregate classification (germline): Uncertain significance (1 of 4 stars; one submission).

Allele frequency attached by ClinVar (database versions not stated): ExAC 0.00001.
gnomAD v4.1: 4 of 1,613,370 alleles (0.00025%); highest among the groups gnomAD compares: Admixed American, 0.0017%; no homozygotes.

Submission:

Labcorp Genetics (formerly Invitae), Labcorp
Classification: Uncertain significance. Last evaluated: 2022-04-20. Review status: criteria provided, single submitter. Criteria: Invitae Variant Classification Sherloc (09022015). Collection method: clinical testing. Allele origin: germline.
Comment: This sequence change replaces arginine, which is basic and polar, with histidine, which is basic and polar, at codon 670 of the NCKAP1L protein (p.Arg670His). This variant is not present in population databases (gnomAD no frequency). This variant has not been reported in the literature in individuals affected with NCKAP1L-related conditions. Algorithms developed to predict the effect of missense changes on protein structure and function are either unavailable or do not agree on the potential impact of this missense change (SIFT: "Deleterious"; PolyPhen-2: "Probably Damaging"; Align-GVGD: "Class C0"). In summary, the available evidence is currently insufficient to determine the role of this variant in disease. Therefore, it has been classified as a Variant of Uncertain Significance.

NM_005337.5(NCKAP1L):c.2009G>A (p.Arg670His)

Gene: NCKAP1L (NCK associated protein 1 like; plus strand). Cytogenetic location: 12q13.2.
Variant type: single nucleotide variant.
Coding change: c.2009G>A on transcript NM_005337.5 (MANE Select); coding-DNA position 2009, G replaced by A.
Protein change: p.Arg670His; replaces arginine 670 with histidine.
Molecular consequence: missense variant.
Genome position (GRCh38, 1-based): chr12:54,523,524, G>A. VCF-style: chr12-54523524-G-A. GRCh37 (hg19) VCF-style: chr12-54917308-G-A.
Other names: c.1859G>A, p.Arg620His (NM_001184976.2); short protein forms R670H, R620H.
Identifiers: ClinVar variation 1955292 (VCV001955292.4), dbSNP rs764942199, ClinGen allele CA6609321.